The following is an entry in ClinVar:

ClinVar aggregate classification (germline): Uncertain significance (1 of 4 stars; one submission).

Conditions:
Hereditary cancer-predisposing syndrome. Also called: Neoplastic Syndromes, Hereditary; Tumor predisposition; Hereditary Cancer Syndrome; Hereditary neoplastic syndrome. Identifiers: Orphanet 140162, MedGen C0027672, MeSH D009386, MONDO:0015356.

Submission:

Ambry Genetics
Classification: Uncertain significance for Hereditary cancer-predisposing syndrome. Last evaluated: 2026-06-10. Review status: criteria provided, single submitter. Criteria: Ambry Variant Classification Scheme 2023. Collection method: clinical testing. Allele origin: germline.
Comment: The p.S988R variant (also known as c.2964T>G), located in coding exon 19 of the RAD50 gene, results from a T to G substitution at nucleotide position 2964. The serine at codon 988 is replaced by arginine, an amino acid with dissimilar properties. This amino acid position is conserved. In addition, this alteration is predicted to be tolerated by in silico analysis. Based on the available evidence, the clinical significance of this variant remains unclear.

NM_005732.4(RAD50):c.2964T>G (p.Ser988Arg)

Gene: RAD50 (RAD50 double strand break repair protein; plus strand). Cytogenetic location: 5q31.1.
Variant type: single nucleotide variant.
Coding change: c.2964T>G on transcript NM_005732.4 (MANE Select); coding-DNA position 2964, T replaced by G.
Protein change: p.Ser988Arg; replaces serine 988 with arginine.
Molecular consequence: missense variant.
Genome position (GRCh38, 1-based): chr5:132,609,324, T>G. VCF-style: chr5-132609324-T-G. GRCh37 (hg19) VCF-style: chr5-131945016-T-G.
Other names: short protein forms S988R.
Identifiers: ClinVar variation 4862861 (VCV004862861.1).